The following is an entry in ClinVar:

ClinVar aggregate classification (germline): Likely benign. Review status: criteria provided, multiple submitters, no conflicts (2 of 4 stars). 4 submissions from 4 submitters: Likely benign (4). Last evaluated 2025-12-03.

Conditions:
Cardiovascular phenotype. Identifiers: MedGen CN230736.
Myofibrillar myopathy 6. Identifiers: Orphanet 199340, MedGen C2751831, MONDO:0013061, OMIM 612954.
Dilated cardiomyopathy 1HH (CMD1HH). Identifiers: Orphanet 154, MedGen C3151293, MONDO:0013479, OMIM 613881.

Allele frequency attached by ClinVar (database versions not stated): ExAC 0.00001; gnomAD exomes 0.00001; TOPMed 0.00002; gnomAD 0.00003.
gnomAD v4.1: 89 of 1,595,938 alleles (0.0056%); highest among the groups gnomAD compares: Non-Finnish European, 0.0074%; no homozygotes.

Submissions (4):

Mayo Clinic Laboratories, Mayo Clinic
Classification: Likely benign. Last evaluated: 2025-12-03. Review status: criteria provided, single submitter. Criteria: ACMG Guidelines, 2015. Collection method: clinical testing. Allele origin: germline. Observed: 2 variant alleles.
Comment: BP4, BP7

Labcorp Genetics (formerly Invitae), Labcorp
Classification: Likely benign for Dilated cardiomyopathy 1HH; Myofibrillar myopathy 6. Last evaluated: 2025-10-10. Review status: criteria provided, single submitter. Criteria: Invitae Variant Classification Sherloc (09022015). Collection method: clinical testing. Allele origin: germline.

Ambry Genetics
Classification: Likely benign for Cardiovascular phenotype. Last evaluated: 2020-11-15. Review status: criteria provided, single submitter. Criteria: Ambry Variant Classification Scheme 2023. Collection method: clinical testing. Allele origin: germline.

GeneDx
Classification: Likely benign. Last evaluated: 2020-04-23. Review status: criteria provided, single submitter. Criteria: GeneDx Variant Classification Process June 2021. Collection method: clinical testing. Allele origin: germline. Affected: yes.

NM_004281.4(BAG3):c.138C>T (p.Thr46=)

Gene: BAG3 (BAG cochaperone 3; plus strand). Cytogenetic location: 10q26.11.
Variant type: single nucleotide variant.
Coding change: c.138C>T on transcript NM_004281.4 (MANE Select); coding-DNA position 138, C replaced by T.
Protein change: p.Thr46=; no amino-acid change (threonine 46 retained).
Molecular consequence: synonymous variant.
Genome position (GRCh38, 1-based): chr10:119,651,813, C>T. VCF-style: chr10-119651813-C-T. GRCh37 (hg19) VCF-style: chr10-121411325-C-T.
Other names: p.Thr46=.
Identifiers: ClinVar variation 1097948 (VCV001097948.15), dbSNP rs777267711, ClinGen allele CA5716227.
Genomic context (GRCh38, chr10:119,651,813, plus strand): 5'-GGAGATCAAGATCGACCCGCAGACCGGCTGGCCCTTCTTCGTGGACCACAACAGCCGCAC[C>T]ACTACGTGGAACGACCCGCGCGTGCCCTCTGAGGGCCCCAAGGTGAGCCGGGCCCGCGGC-3'
Protein context (NP_004272.2, residues 36-56): WPFFVDHNSR[Thr46=]TTWNDPRVPS